The following is an entry in ClinVar:

ClinVar aggregate classification (germline): Conflicting classifications of pathogenicity. Review status: criteria provided, conflicting classifications (1 of 4 stars). 4 submissions from 4 submitters: Uncertain significance (1); Benign (1); Likely benign (2). Last evaluated 2025-10-27.

Conditions:
Inborn genetic diseases. Identifiers: MedGen C0950123, MeSH D030342.
Nemaline myopathy 6 (NEM6). Also called: Nemaline myopathy 6, autosomal dominant. Identifiers: Orphanet 171439, MedGen C1836472, MONDO:0012237, OMIM 609273.

Allele frequency attached by ClinVar (database versions not stated): gnomAD exomes 0.00010 and 0.00021; ExAC 0.00013; gnomAD 0.00015 and 0.00016; TOPMed 0.00020.
gnomAD v4.1: 308 of 1,536,592 alleles (0.02%); highest among the groups gnomAD compares: Non-Finnish European, 0.025%; no homozygotes.

Submissions (4):

Labcorp Genetics (formerly Invitae), Labcorp
Classification: Benign for Nemaline myopathy 6. Last evaluated: 2025-10-27. Review status: criteria provided, single submitter. Criteria: Invitae Variant Classification Sherloc (09022015). Collection method: clinical testing. Allele origin: germline.

Ambry Genetics
Classification: Uncertain significance for Inborn genetic diseases. Last evaluated: 2025-08-06. Review status: criteria provided, single submitter. Criteria: Ambry Variant Classification Scheme 2023. Collection method: clinical testing. Allele origin: germline.

Department of Pathology and Laboratory Medicine, Sinai Health System
Classification: Likely benign for Nemaline myopathy 6. Last evaluated: 2022-01-06. Review status: criteria provided, single submitter. Criteria: ACMG Guidelines, 2015. Collection method: research. Allele origin: germline.

Illumina Laboratory Services, Illumina
Classification: Likely benign for Nemaline myopathy 6. Last evaluated: 2018-01-13. Review status: criteria provided, single submitter. Criteria: ICSL Variant Classification Criteria 13 December 2019. Collection method: clinical testing. Allele origin: germline.
Comment: This variant was observed in the ICSL laboratory as part of a predisposition screen in an ostensibly healthy population. It had not been previously curated by ICSL or reported in the Human Gene Mutation Database (HGMD: prior to June 1st, 2018), and was therefore a candidate for classification through an automated scoring system. Utilizing variant allele frequency, disease prevalence and penetrance estimates, and inheritance mode, an automated score was calculated to assess if this variant is too frequent to cause the disease. Based on the score and internal cut-off values, a variant classified as likely benign is not then subjected to further curation. The score for this variant resulted in a classification of likely benign for this disease.

NM_001101362.3(KBTBD13):c.729C>G (p.Ser243Arg)

Gene: KBTBD13 (kelch repeat and BTB domain containing 13; plus strand). Cytogenetic location: 15q22.31.
Variant type: single nucleotide variant.
Coding change: c.729C>G on transcript NM_001101362.3 (MANE Select); coding-DNA position 729, C replaced by G.
Protein change: p.Ser243Arg; replaces serine 243 with arginine.
Molecular consequence: missense variant.
Genome position (GRCh38, 1-based): chr15:65,077,544, C>G. VCF-style: chr15-65077544-C-G. GRCh37 (hg19) VCF-style: chr15-65369882-C-G.
Other names: short protein forms S243R.
Identifiers: ClinVar variation 581243 (VCV000581243.19), dbSNP rs767990371, ClinGen allele CA7613964.